The following is an entry in ClinVar:

ClinVar aggregate classification (germline): Uncertain significance (1 of 4 stars; one submission).

Allele frequency attached by ClinVar (database versions not stated): gnomAD exomes below 0.00001.
gnomAD v4.1: 1 of 1,613,554 alleles (0.000062%); no homozygotes.

Submission:

Labcorp Genetics (formerly Invitae), Labcorp
Classification: Uncertain significance. Last evaluated: 2022-05-17. Review status: criteria provided, single submitter. Criteria: Invitae Variant Classification Sherloc (09022015). Collection method: clinical testing. Allele origin: germline.
Comment: This variant has not been reported in the literature in individuals affected with CABP4-related conditions. This variant is not present in population databases (gnomAD no frequency). Advanced modeling of protein sequence and biophysical properties (such as structural, functional, and spatial information, amino acid conservation, physicochemical variation, residue mobility, and thermodynamic stability) performed at Invitae indicates that this missense variant is expected to disrupt CABP4 protein function. In summary, the available evidence is currently insufficient to determine the role of this variant in disease. Therefore, it has been classified as a Variant of Uncertain Significance. This sequence change replaces aspartic acid, which is acidic and polar, with tyrosine, which is neutral and polar, at codon 132 of the CABP4 protein (p.Asp132Tyr).

NM_145200.5(CABP4):c.394G>T (p.Asp132Tyr)

Gene: CABP4 (calcium binding protein 4; plus strand). Cytogenetic location: 11q13.2.
Variant type: single nucleotide variant.
Coding change: c.394G>T on transcript NM_145200.5 (MANE Select); coding-DNA position 394, G replaced by T.
Protein change: p.Asp132Tyr; replaces aspartic acid 132 with tyrosine.
Molecular consequence: missense variant.
Genome position (GRCh38, 1-based): chr11:67,456,215, G>T. VCF-style: chr11-67456215-G-T. GRCh37 (hg19) VCF-style: chr11-67223686-G-T.
Other names: c.79G>T, p.Asp27Tyr (NM_001300895.3, NM_001300896.3, NM_001379183.1); short protein forms D27Y, D132Y.
Identifiers: ClinVar variation 2102077 (VCV002102077.4), dbSNP rs2495638430, ClinGen allele CA381529564.
Genomic context (GRCh38, chr11:67,456,215, plus strand): 5'-GCCCTGGGGACATCCTGGACTCTCCCCCTGCAGGACCGCGAACTGGGCCCCGAGGAGCTA[G>T]ACGGTGAGTGGCTCTTGCTGCTGGCAGGGGGTGGGAGCTGTCCCTGAGCCTGGCCACCTG-3'
Protein context (NP_660201.1, residues 122-142): KDRELGPEEL[Asp132Tyr]ELQAAFEEFD